The following is an entry in ClinVar:

ClinVar aggregate classification (germline): Uncertain significance (1 of 4 stars; one submission).

gnomAD v4.1: 1 of 1,613,882 alleles (0.000062%); highest among the groups gnomAD compares: African/African-American, 0.0013%; no homozygotes.

Submission:

GeneDx
Classification: Uncertain significance. Last evaluated: 2025-06-06. Review status: criteria provided, single submitter. Criteria: GeneDx Variant Classification Process June 2021. Collection method: clinical testing. Allele origin: germline. Affected: yes.
Comment: Not observed at significant frequency in large population cohorts (gnomAD); In silico analysis suggests that this missense variant does not alter protein structure/function; Has not been previously published as pathogenic or benign to our knowledge

NM_001164508.2(NEB):c.1831G>A (p.Val611Ile)

Gene: NEB (nebulin; minus strand). Cytogenetic location: 2q23.3.
Variant type: single nucleotide variant.
Coding change: c.1831G>A on transcript NM_001164508.2 (MANE Select); coding-DNA position 1831, G replaced by A.
Protein change: p.Val611Ile; replaces valine 611 with isoleucine.
Molecular consequence: missense variant.
Genome position (GRCh38, 1-based): chr2:151,694,388, C>T on the plus strand (G>A on the coding strand, the complement: NEB is on the minus strand). VCF-style: chr2-151694388-C-T. GRCh37 (hg19) VCF-style: chr2-152550902-C-T.
Other names: c.1831G>A, p.Val611Ile (NM_001164507.2, NM_001271208.2, NM_004543.5); short protein forms V611I.
Identifiers: ClinVar variation 4537970 (VCV004537970.1).
Genomic context (GRCh38, chr2:151,694,388, plus strand): 5'-TCTGGTTTTTGGCCACCTTCAAGGAGTGCAGCATCTTGGGATCGTCATTAATGCTGAGGA[C>T]TCCAATCATTTTCCCTTTGTTTTTTTCATAGTCTTTCTTGTACATCACCTGCAAAGACAT-3'
Protein context (NP_001157980.2, residues 601-621): YEKNKGKMIG[Val611Ile]LSINDDPKML